The following is an entry in ClinVar:

NM_181741.4(ORC4):c.301+1G>A

Gene: ORC4 (origin recognition complex subunit 4; minus strand). Cytogenetic location: 2q23.1.
Variant type: single nucleotide variant.
Coding change: c.301+1G>A on transcript NM_181741.4 (MANE Select); the canonical splice donor site of the intron after coding-DNA position 301, G replaced by A.
Molecular consequence: splice donor variant.
Genome position (GRCh38, 1-based): chr2:147,958,790, C>T on the plus strand (G>A on the coding strand, the complement: ORC4 is on the minus strand). VCF-style: chr2-147958790-C-T. GRCh37 (hg19) VCF-style: chr2-148716359-C-T.
Other names: c.301+1G>A (NM_181742.4, NM_001190879.3, NM_002552.5 and 1 more transcripts); c.49+1G>A (NM_001190881.3, NM_001374272.1); c.79+1G>A (NM_001190882.3).
Identifiers: ClinVar variation 4714281 (VCV004714281.1).

ClinVar aggregate classification (germline): Likely pathogenic (1 of 4 stars; one submission).

Submission:

Labcorp Genetics (formerly Invitae), Labcorp
Classification: Likely pathogenic. Last evaluated: 2025-03-16. Review status: criteria provided, single submitter. Criteria: Invitae Variant Classification Sherloc (09022015). Collection method: clinical testing. Allele origin: germline.
Comment: This sequence change affects a donor splice site in intron 5 of the ORC4 gene. It is expected to disrupt RNA splicing. Variants that disrupt the donor or acceptor splice site typically lead to a loss of protein function (PMID: 16199547), and loss-of-function variants in ORC4 are known to be pathogenic (PMID: 21358631, 21358632, 22333897). This variant is not present in population databases (gnomAD no frequency). This variant has not been reported in the literature in individuals affected with ORC4-related conditions. Algorithms developed to predict the effect of sequence changes on RNA splicing suggest that this variant may disrupt the consensus splice site. In summary, the currently available evidence indicates that the variant is pathogenic, but additional data are needed to prove that conclusively. Therefore, this variant has been classified as Likely Pathogenic.

Literature cited by the submitters: PubMed 16199547; PubMed 21358631; PubMed 21358632; PubMed 22333897.